The following is an entry in ClinVar:

ClinVar aggregate classification (germline): Uncertain significance (1 of 4 stars; one submission).

Conditions:
Hereditary hemorrhagic telangiectasia (HHT). Also called: ORW DISEASE; Osler Weber Rendu syndrome; OSLER-RENDU-WEBER DISEASE; Osler hemorrhagic telangiectasia syndrome. Identifiers: Orphanet 774, MedGen C0039445, MONDO:0019180. Disease mechanism: loss of function.

Submission:

Labcorp Genetics (formerly Invitae), Labcorp
Classification: Uncertain significance for Hereditary hemorrhagic telangiectasia. Last evaluated: 2022-07-14. Review status: criteria provided, single submitter. Criteria: Invitae Variant Classification Sherloc (09022015). Collection method: clinical testing. Allele origin: germline.
Comment: In summary, the available evidence is currently insufficient to determine the role of this variant in disease. Therefore, it has been classified as a Variant of Uncertain Significance. Advanced modeling of protein sequence and biophysical properties (such as structural, functional, and spatial information, amino acid conservation, physicochemical variation, residue mobility, and thermodynamic stability) performed at Invitae indicates that this missense variant is not expected to disrupt ENG protein function. This variant has not been reported in the literature in individuals affected with ENG-related conditions. This variant is not present in population databases (gnomAD no frequency). This sequence change replaces alanine, which is neutral and non-polar, with valine, which is neutral and non-polar, at codon 609 of the ENG protein (p.Ala609Val).

NM_001114753.3(ENG):c.1826C>T (p.Ala609Val)

Gene: ENG (endoglin; minus strand). Cytogenetic location: 9q34.11.
Variant type: single nucleotide variant.
Coding change: c.1826C>T on transcript NM_001114753.3 (MANE Select); coding-DNA position 1826, C replaced by T.
Protein change: p.Ala609Val; replaces alanine 609 with valine.
Molecular consequence: missense variant.
Genome position (GRCh38, 1-based): chr9:127,815,969, G>A on the plus strand (C>T on the coding strand, the complement: ENG is on the minus strand). VCF-style: chr9-127815969-G-A. GRCh37 (hg19) VCF-style: chr9-130578248-G-A.
Other names: c.1826C>T, p.Ala609Val (NM_000118.4); c.1280C>T, p.Ala427Val (NM_001278138.2); short protein forms A427V, A609V.
Identifiers: ClinVar variation 2152060 (VCV002152060.4), dbSNP rs1247240663, ClinGen allele CA374971795.
Genomic context (GRCh38, chr9:127,815,969, plus strand): 5'-CGGCATGCTCACTGTGGGGGCCTGGGGTACTCACGCGTGTGCGAGTAGATGTACCAGAGT[G>A]CAGCAGTGAGCAGGGCCCCGATGAGGAAGGCACCAAAGGTGATGCCCAGCACGGCGGGCA-3'
Protein context (NP_001108225.1, residues 599-619): AFLIGALLTA[Ala609Val]LWYIYSHTRS